The following is an entry in ClinVar:

NM_000212.3(ITGB3):c.17G>C (p.Arg6Pro)

Genes: ITGB3 (integrin subunit beta 3; plus strand), LOC130061041 (ATAC-STARR-seq lymphoblastoid silent region 8624; plus strand). Cytogenetic location: 17q21.32.
Variant type: single nucleotide variant.
Coding change: c.17G>C on transcript NM_000212.3 (MANE Select); coding-DNA position 17, G replaced by C.
Protein change: p.Arg6Pro; replaces arginine 6 with proline.
Molecular consequence: missense variant.
Genome position (GRCh38, 1-based): chr17:47,253,878, G>C. VCF-style: chr17-47253878-G-C. GRCh37 (hg19) VCF-style: chr17-45331244-G-C.
Other names: short protein forms R6P.
Identifiers: ClinVar variation 4088474 (VCV004088474.2).
Genomic context (GRCh38, chr17:47,253,878, plus strand): 5'-GCGCCCACTGTGGGGCGGGCGGAGCGCCGCGGGAGGCGGACGAGATGCGAGCGCGGCCGC[G>C]GCCCCGGCCGCTCTGGGCGACTGTGCTGGCGCTGGGGGCGCTGGCGGGCGTTGGCGTAGG-3'
Protein context (NP_000203.2, residues 1-16): MRARP[Arg6Pro]PRPLWATVLA

ClinVar aggregate classification (germline): Uncertain significance. Review status: criteria provided, multiple submitters, no conflicts (2 of 4 stars). 2 submissions from 2 submitters: Uncertain significance (2). Last evaluated 2025-08-23.

Conditions:
Inborn genetic diseases. Identifiers: MedGen C0950123, MeSH D030342.

gnomAD v4.1: 34 of 1,256,870 alleles (0.0027%); highest among the groups gnomAD compares: Admixed American, 0.004%; no homozygotes.

Submissions (2):

Ambry Genetics
Classification: Uncertain significance for Inborn genetic diseases. Last evaluated: 2025-08-23. Review status: criteria provided, single submitter. Criteria: Ambry Variant Classification Scheme 2023. Collection method: clinical testing. Allele origin: germline.

Labcorp Genetics (formerly Invitae), Labcorp
Classification: Uncertain significance. Last evaluated: 2025-03-18. Review status: criteria provided, single submitter. Criteria: Invitae Variant Classification Sherloc (09022015). Collection method: clinical testing. Allele origin: germline.
Comment: This sequence change replaces arginine, which is basic and polar, with proline, which is neutral and non-polar, at codon 6 of the ITGB3 protein (p.Arg6Pro). The frequency data for this variant in the population databases is considered unreliable, as metrics indicate poor data quality at this position in the gnomAD database. This variant has not been reported in the literature in individuals affected with ITGB3-related conditions. An algorithm developed to predict the effect of missense changes on protein structure and function outputs the following: PolyPhen-2: "Benign". The proline amino acid residue is found in multiple mammalian species, which suggests that this missense change does not adversely affect protein function. In summary, the available evidence is currently insufficient to determine the role of this variant in disease. Therefore, it has been classified as a Variant of Uncertain Significance.